The following is an entry in ClinVar:

NM_001261826.3(AP3D1):c.1456G>T (p.Ala486Ser)

Gene: AP3D1 (adaptor related protein complex 3 subunit delta 1; minus strand). Cytogenetic location: 19p13.3.
Variant type: single nucleotide variant.
Coding change: c.1456G>T on transcript NM_001261826.3 (MANE Select); coding-DNA position 1456, G replaced by T.
Protein change: p.Ala486Ser; replaces alanine 486 with serine.
Molecular consequence: missense variant.
Genome position (GRCh38, 1-based): chr19:2,120,887, C>A on the plus strand (G>T on the coding strand, the complement: AP3D1 is on the minus strand). VCF-style: chr19-2120887-C-A. GRCh37 (hg19) VCF-style: chr19-2120886-C-A.
Other names: c.1456G>T, p.Ala486Ser (NM_001374799.1, NM_003938.8); short protein forms A486S.
Identifiers: ClinVar variation 4697474 (VCV004697474.1).

ClinVar aggregate classification (germline): Uncertain significance (1 of 4 stars; one submission).

Submission:

Labcorp Genetics (formerly Invitae), Labcorp
Classification: Uncertain significance. Last evaluated: 2025-12-18. Review status: criteria provided, single submitter. Criteria: Invitae Variant Classification Sherloc (09022015). Collection method: clinical testing. Allele origin: germline.
Comment: This sequence change replaces alanine, which is neutral and non-polar, with serine, which is neutral and polar, at codon 486 of the AP3D1 protein (p.Ala486Ser). This variant is not present in population databases (gnomAD no frequency). This variant has not been reported in the literature in individuals affected with AP3D1-related conditions. An algorithm developed to predict the effect of missense changes on protein structure and function (PolyPhen-2) suggests that this variant is likely to be disruptive. In summary, the available evidence is currently insufficient to determine the role of this variant in disease. Therefore, it has been classified as a Variant of Uncertain Significance.